The following is an entry in ClinVar:

NM_000145.4(FSHR):c.658C>T (p.Pro220Ser)

Gene: FSHR (follicle stimulating hormone receptor; minus strand). Cytogenetic location: 2p16.3.
Variant type: single nucleotide variant.
Coding change: c.658C>T on transcript NM_000145.4 (MANE Select); coding-DNA position 658, C replaced by T.
Protein change: p.Pro220Ser; replaces proline 220 with serine.
Molecular consequence: missense variant.
Genome position (GRCh38, 1-based): chr2:48,982,922, G>A on the plus strand (C>T on the coding strand, the complement: FSHR is on the minus strand). VCF-style: chr2-48982922-G-A. GRCh37 (hg19) VCF-style: chr2-49210061-G-A.
Other names: c.580C>T, p.Pro194Ser (NM_181446.3); short protein forms P194S, P220S.
Identifiers: ClinVar variation 842477 (VCV000842477.11), dbSNP rs990862911, ClinGen allele CA47350616.

ClinVar aggregate classification (germline): Uncertain significance (1 of 4 stars; one submission).

gnomAD v4.1: 1 of 1,613,342 alleles (0.000062%); highest among the groups gnomAD compares: South Asian, 0.0011%; no homozygotes.

Submission:

Labcorp Genetics (formerly Invitae), Labcorp
Classification: Uncertain significance. Last evaluated: 2019-12-18. Review status: criteria provided, single submitter. Criteria: Invitae Variant Classification Sherloc (09022015). Collection method: clinical testing. Allele origin: germline.
Comment: This sequence change replaces proline with serine at codon 220 of the FSHR protein (p.Pro220Ser). The proline residue is moderately conserved and there is a moderate physicochemical difference between proline and serine. In summary, the available evidence is currently insufficient to determine the role of this variant in disease. Therefore, it has been classified as a Variant of Uncertain Significance. Algorithms developed to predict the effect of missense changes on protein structure and function are either unavailable or do not agree on the potential impact of this missense change (SIFT: "Deleterious"; PolyPhen-2: "Probably Damaging"; Align-GVGD: "Class C0"). This variant has been observed in individual(s) with clinical features of ovarian dysgenesis (Invitae). This variant is not present in population databases (ExAC no frequency).